The following is an entry in ClinVar:

ClinVar aggregate classification (germline): Benign/Likely benign. Review status: criteria provided, multiple submitters, no conflicts (2 of 4 stars). 3 submissions from 3 submitters: Benign (1); Likely benign (2). Last evaluated 2026-04-27.

Conditions:
Colorectal cancer, susceptibility to, 1. Also called: COLORECTAL ADENOMA AND CANCER, SUSCEPTIBILITY TO; COLORECTAL CANCER, SUSCEPTIBILITY TO, ON CHROMOSOME 9. Identifiers: MedGen C1837315, MONDO:0012132, OMIM 608812.

Allele frequency attached by ClinVar (database versions not stated): TOPMed below 0.00001.

Submissions (3):

Myriad Genetics, Inc.
Classification: Benign for Colorectal cancer, susceptibility to, 1. Last evaluated: 2026-04-27. Review status: criteria provided, single submitter. Criteria: Myriad Autosomal Dominant, Autosomal Recessive and X-Linked Classification Criteria (2023). Collection method: clinical testing. Allele origin: unknown.
Comment: This variant is considered benign. This variant is a silent/synonymous amino acid change and it is not expected to impact splicing.

Labcorp Genetics (formerly Invitae), Labcorp
Classification: Likely benign. Last evaluated: 2022-01-27. Review status: criteria provided, single submitter. Criteria: Invitae Variant Classification Sherloc (09022015). Collection method: clinical testing. Allele origin: germline.

Ambry Genetics
Classification: Likely benign. Last evaluated: 2020-09-15. Review status: criteria provided, single submitter. Criteria: Ambry Variant Classification Scheme 2023. Collection method: clinical testing. Allele origin: germline.

NM_024642.5(GALNT12):c.1359A>G (p.Gly453=)

Gene: GALNT12 (polypeptide N-acetylgalactosaminyltransferase 12; plus strand). Cytogenetic location: 9q22.33.
Variant type: single nucleotide variant.
Coding change: c.1359A>G on transcript NM_024642.5 (MANE Select); coding-DNA position 1359, A replaced by G.
Protein change: p.Gly453=; no amino-acid change (glycine 453 retained).
Molecular consequence: synonymous variant.
Genome position (GRCh38, 1-based): chr9:98,844,110, A>G. VCF-style: chr9-98844110-A-G. GRCh37 (hg19) VCF-style: chr9-101606392-A-G.
Identifiers: ClinVar variation 706760 (VCV000706760.12), dbSNP rs932313497, ClinGen allele CA196831635.